The following is an entry in ClinVar:

NM_015338.6(ASXL1):c.52C>G (p.Arg18Gly)

Gene: ASXL1 (ASXL transcriptional regulator 1; plus strand). Cytogenetic location: 20q11.21.
Variant type: single nucleotide variant.
Coding change: c.52C>G on transcript NM_015338.6 (MANE Select); coding-DNA position 52, C replaced by G.
Protein change: p.Arg18Gly; replaces arginine 18 with glycine.
Molecular consequence: missense variant.
Genome position (GRCh38, 1-based): chr20:32,358,827, C>G. VCF-style: chr20-32358827-C-G. GRCh37 (hg19) VCF-style: chr20-30946630-C-G.
Other names: c.52C>G, p.Arg18Gly (NM_001164603.1); short protein forms R18G.
Identifiers: ClinVar variation 4587800 (VCV004587800.1).

ClinVar aggregate classification (germline): Uncertain significance (1 of 4 stars; one submission).

Conditions:
Inborn genetic diseases. Identifiers: MedGen C0950123, MeSH D030342.

Submission:

Ambry Genetics
Classification: Uncertain significance for Inborn genetic diseases. Last evaluated: 2025-10-11. Review status: criteria provided, single submitter. Criteria: Ambry Variant Classification Scheme 2023. Collection method: clinical testing. Allele origin: germline.
Comment: The p.R18G variant (also known as c.52C>G), located in coding exon 1 of the ASXL1 gene, results from a C to G substitution at nucleotide position 52. The arginine at codon 18 is replaced by glycine, an amino acid with dissimilar properties. This amino acid position is conserved. In addition, this alteration is predicted to be tolerated by in silico analysis. Based on the available evidence, the clinical significance of this variant remains unclear.